The following is an entry in ClinVar:

GRCh38/hg38 Xq28(chrX:149328353-149767069)x3

Genes: EOLA1 (endothelium and lymphocyte associated ASCH domain 1; plus strand), EOLA1-DT (EOLA1 divergent transcript; minus strand), HSFX2 (heat shock transcription factor family, X-linked 2; minus strand), HSFX3 (heat shock transcription factor family, X-linked member 3; minus strand), IDS (iduronate 2-sulfatase; minus strand) and 17 more. Cytogenetic location: Xq28.
Variant type: copy number gain.
Change: copy number 3 of chrX:149,328,353-149,767,069 (438.7 kb, GRCh38 coordinates, 1-based), cytogenetic band Xq28.
Identifiers: ClinVar variation 5038323 (VCV005038323.1).

ClinVar aggregate classification (germline): Uncertain significance (1 of 4 stars; one submission).

Submission:

Clinical Genomics Laboratory, Laboratory for Precision Diagnostics, University of Washington
Classification: Uncertain significance. Last evaluated: 2025-12-26. Review status: criteria provided, single submitter. Criteria: ACMG/ClinGen CNV Guidelines, 2019. Collection method: clinical testing. Allele origin: unknown. Affected: yes. Observed: 1 variant allele.
Comment: This interstitial duplication is approximately 438 kb in size and involves at least 7 protein-coding genes: IDS, EOLA1, HSFX3, MAGEA9B, HSFX2, TMEM185A, and MAGEA11. It is not the recurrent duplication of distal Xq28. None of these genes are known to cause medical problems in humans when an extra copy is present (triplosensitivity), and this is not a known triplosensitive genomic region at this time. This test cannot distinguish tandem duplications from an insertion elsewhere in the genome, with potential for pathogenic disruption of genes at the insertion site. A review of public databases (ClinVar, DECIPHER) and the medical literature shows few people with a similar duplications. Similar duplications are classified in ClinVar both as likely benign or of uncertain significance. Similar duplications appear at very low frequency in the Database of Genomic Variants (DGV) and gnomAD.